The following is an entry in ClinVar:

ClinVar aggregate classification (germline): Likely pathogenic (1 of 4 stars; one submission).

Submission:

Labcorp Genetics (formerly Invitae), Labcorp
Classification: Likely pathogenic. Last evaluated: 2024-10-29. Review status: criteria provided, single submitter. Criteria: Invitae Variant Classification Sherloc (09022015). Collection method: clinical testing. Allele origin: germline.
Comment: This sequence change affects an acceptor splice site in intron 5 of the HSD3B7 gene. It is expected to disrupt RNA splicing. Variants that disrupt the donor or acceptor splice site typically lead to a loss of protein function (PMID: 16199547), and loss-of-function variants in HSD3B7 are known to be pathogenic (PMID: 12679481). This variant is not present in population databases (gnomAD no frequency). This variant has not been reported in the literature in individuals affected with HSD3B7-related conditions. Algorithms developed to predict the effect of sequence changes on RNA splicing suggest that this variant may disrupt the consensus splice site. In summary, the currently available evidence indicates that the variant is pathogenic, but additional data are needed to prove that conclusively. Therefore, this variant has been classified as Likely Pathogenic.

Literature cited by the submitters: PubMed 16199547; PubMed 12679481.

NM_025193.4(HSD3B7):c.532-2A>G

Gene: HSD3B7 (hydroxy-delta-5-steroid dehydrogenase, 3 beta- and steroid delta-isomerase 7; plus strand). Cytogenetic location: 16p11.2.
Variant type: single nucleotide variant.
Coding change: c.532-2A>G on transcript NM_025193.4 (MANE Select); the canonical splice acceptor site of the intron before coding-DNA position 532, A replaced by G.
Molecular consequence: splice acceptor variant. On other transcripts: intron variant (2).
Genome position (GRCh38, 1-based): chr16:30,986,838, A>G. VCF-style: chr16-30986838-A-G. GRCh37 (hg19) VCF-style: chr16-30998159-A-G.
Other names: c.531+134A>G (NM_001142777.2, NM_001142778.2).
Identifiers: ClinVar variation 2761603 (VCV002761603.3), dbSNP rs755245061, ClinGen allele CA395640983.